The following is an entry in ClinVar:

NM_022041.4(GAN):c.1241G>A (p.Gly414Asp)

Gene: GAN (gigaxonin; plus strand). Cytogenetic location: 16q23.2.
Variant type: single nucleotide variant.
Coding change: c.1241G>A on transcript NM_022041.4 (MANE Select); coding-DNA position 1241, G replaced by A.
Protein change: p.Gly414Asp; replaces glycine 414 with aspartic acid.
Molecular consequence: missense variant.
Genome position (GRCh38, 1-based): chr16:81,364,978, G>A. VCF-style: chr16-81364978-G-A. GRCh37 (hg19) VCF-style: chr16-81398583-G-A.
Other names: c.602G>A, p.Gly201Asp (NM_001377486.1); short protein forms G414D, G201D.
Identifiers: ClinVar variation 245921 (VCV000245921.10), dbSNP rs761827117, ClinGen allele CA10584539.

ClinVar aggregate classification (germline): Uncertain significance. Review status: criteria provided, multiple submitters, no conflicts (2 of 4 stars). 2 submissions from 2 submitters: Uncertain significance (2). Last evaluated 2020-08-04.

Conditions:
Giant axonal neuropathy 1 (GAN1). Also called: GIANT AXONAL NEUROPATHY 1, AUTOSOMAL RECESSIVE; GAN-Related Neurodegeneration. Identifiers: Orphanet 643, MedGen C1850386, MONDO:0009749, OMIM 256850.

Allele frequency attached by ClinVar (database versions not stated): gnomAD 0.00001.
gnomAD v4.1: 4 of 1,613,908 alleles (0.00025%); highest among the groups gnomAD compares: African/African-American, 0.0013%; no homozygotes.

Submissions (2):

Labcorp Genetics (formerly Invitae), Labcorp
Classification: Uncertain significance for Giant axonal neuropathy 1. Last evaluated: 2020-08-04. Review status: criteria provided, single submitter. Criteria: Invitae Variant Classification Sherloc (09022015). Collection method: clinical testing. Allele origin: germline.
Comment: This variant is not present in population databases (ExAC no frequency). This variant has not been reported in the literature in individuals with GAN-related conditions. ClinVar contains an entry for this variant (Variation ID: 245921). Algorithms developed to predict the effect of missense changes on protein structure and function (SIFT, PolyPhen-2, Align-GVGD) all suggest that this variant is likely to be tolerated, but these predictions have not been confirmed by published functional studies and their clinical significance is uncertain. In summary, the available evidence is currently insufficient to determine the role of this variant in disease. Therefore, it has been classified as a Variant of Uncertain Significance. This sequence change replaces glycine with aspartic acid at codon 414 of the GAN protein (p.Gly414Asp). The glycine residue is moderately conserved and there is a moderate physicochemical difference between glycine and aspartic acid.

GeneDx
Classification: Uncertain significance. Last evaluated: 2015-09-17. Review status: criteria provided, single submitter. Criteria: GeneDx Variant Classification (06012015). Collection method: clinical testing. Allele origin: germline. Affected: yes.
Comment: The G414D variant has not been published as pathogenic, nor has it been reported as a benign polymorphism to our knowledge. It was not observed in approximately 6,500 individuals of European and African American ancestry in the NHLBI Exome Sequencing Project, indicating it is not a common benign variant in these populations. The G414D variant is a non-conservative amino acid substitution, which is likely to impact secondary protein structure as these residues differ in polarity, charge, size and/or other properties. This substitution occurs at a position that is conserved across species. However, in silico analysis is inconsistent in its predictions as to whether or not the variant is damaging to the protein structure/function. Therefore, based on the currently available information, it is unclear whether this variant is a pathogenic variant or a rare benign variant.